The following is an entry in ClinVar:

NM_001267550.2(TTN):c.82972G>A (p.Ala27658Thr)

Genes: TTN (titin; minus strand), TTN-AS1 (TTN antisense RNA 1; plus strand). Cytogenetic location: 2q31.2.
Variant type: single nucleotide variant.
Coding change: c.82972G>A on transcript NM_001267550.2 (MANE Select); coding-DNA position 82972, G replaced by A.
Protein change: p.Ala27658Thr; replaces alanine 27658 with threonine.
Molecular consequence: missense variant.
Genome position (GRCh38, 1-based): chr2:178,563,160, C>T on the plus strand (G>A on the coding strand, the complement: TTN is on the minus strand). VCF-style: chr2-178563160-C-T. GRCh37 (hg19) VCF-style: chr2-179427887-C-T.
Other names: c.78049G>A, p.Ala26017Thr (NM_001256850.1); c.55777G>A, p.Ala18593Thr (NM_003319.4); c.75268G>A, p.Ala25090Thr (NM_133378.4); c.56152G>A, p.Ala18718Thr (NM_133432.3); c.56353G>A, p.Ala18785Thr (NM_133437.4); short protein forms A18593T, A18718T, A26017T, A27658T, A18785T, A25090T.
Identifiers: ClinVar variation 1748392 (VCV001748392.7), dbSNP rs150150605, ClinGen allele CA1988993.
Genomic context (GRCh38, chr2:178,563,160, plus strand): 5'-CGAGTTCTATTTCTGGTGGCTCTATCCTCTCCTGAGCAACCACTGAGCCAGGTAGAGTTG[C>T]AGGTTCACCTACACCTTCAGAATTGATGGCACAAATACGGAAGTTATATTCAGTGTTTTC-3'
Protein context (NP_001254479.2, residues 27648-27668): AINSEGVGEP[Ala27658Thr]TLPGSVVAQE

ClinVar aggregate classification (germline): Uncertain significance. Review status: criteria provided, multiple submitters, no conflicts (2 of 4 stars). 4 submissions from 4 submitters: Uncertain significance (4). Last evaluated 2026-09-01.

Conditions:
TTN-related disorder. Also called: TTN-related disorders; TTN-related condition; TTN-related disease.
Cardiovascular phenotype. Identifiers: MedGen CN230736.

Allele frequency attached by ClinVar (database versions not stated): gnomAD exomes 0.00001; ExAC 0.00002; ESP Exome Variant Server 0.00008; gnomAD 0.00010; 1000 Genomes Project 30x 0.00016; 1000 Genomes Project 0.00020.
gnomAD v4.1: 31 of 1,613,722 alleles (0.0019%); highest among the groups gnomAD compares: African/African-American, 0.036%; no homozygotes.

Submissions (4):

CeGaT Center for Human Genetics Tuebingen
Classification: Uncertain significance. Last evaluated: 2026-09-01. Review status: criteria provided, single submitter. Criteria: CeGaT Center For Human Genetics Tuebingen Variant Classification Criteria Version 2. Collection method: clinical testing. Allele origin: germline. Affected: yes. Observed: 1 variant allele.
Comment: TTN: PM2

PreventionGenetics, part of Exact Sciences
Classification: Uncertain significance for TTN-related condition. Last evaluated: 2026-02-19. Review status: criteria provided, single submitter. Criteria: ACMG Guidelines, 2015. Collection method: clinical testing. Allele origin: germline.
Comment: The TTN c.82972G>A variant is predicted to result in the amino acid substitution p.Ala27658Thr. To our knowledge, this variant has not been reported in the literature. This variant is reported in 0.021% of alleles in individuals of African descent in gnomAD. At this time, the clinical significance of this variant is uncertain due to the absence of conclusive functional and genetic evidence.

Revvity Omics, Revvity
Classification: Uncertain significance. Last evaluated: 2021-07-06. Review status: criteria provided, single submitter. Criteria: ACMG Guidelines, 2015. Collection method: clinical testing. Allele origin: germline.

Ambry Genetics
Classification: Uncertain significance for Cardiovascular phenotype. Last evaluated: 2020-03-18. Review status: criteria provided, single submitter. Criteria: Ambry Variant Classification Scheme 2023. Collection method: clinical testing. Allele origin: germline.
Comment: The p.A18593T variant (also known as c.55777G>A), located in coding exon 153 of the TTN gene, results from a G to A substitution at nucleotide position 55777. The alanine at codon 18593 is replaced by threonine, an amino acid with similar properties. This amino acid position is well conserved in available vertebrate species. In addition, this alteration is predicted to be tolerated by in silico analysis. Since supporting evidence is limited at this time, the clinical significance of this alteration remains unclear.